The following is an entry in ClinVar:

NM_001611.5(ACP5):c.671T>A (p.Leu224Gln)

Gene: ACP5 (acid phosphatase 5, tartrate resistant; minus strand). Cytogenetic location: 19p13.2.
Variant type: single nucleotide variant.
Coding change: c.671T>A on transcript NM_001611.5 (MANE Select); coding-DNA position 671, T replaced by A.
Protein change: p.Leu224Gln; replaces leucine 224 with glutamine.
Molecular consequence: missense variant.
Genome position (GRCh38, 1-based): chr19:11,576,307, A>T on the plus strand (T>A on the coding strand, the complement: ACP5 is on the minus strand). VCF-style: chr19-11576307-A-T. GRCh37 (hg19) VCF-style: chr19-11687122-A-T.
Other names: p.Leu224Gln; c.671T>A, p.Leu224Gln (NM_001111034.3, NM_001111035.3, NM_001111036.3 and 5 more transcripts); short protein forms L224Q.
Identifiers: ClinVar variation 4542309 (VCV004542309.1).

ClinVar aggregate classification (germline): Uncertain significance (1 of 4 stars; one submission).

Submission:

Mayo Clinic Laboratories, Mayo Clinic
Classification: Uncertain significance. Last evaluated: 2025-09-11. Review status: criteria provided, single submitter. Criteria: ACMG Guidelines, 2015. Collection method: clinical testing. Allele origin: germline. Observed: 1 variant allele.
Comment: PP3, PM2_supporting